The following is an entry in ClinVar:

ClinVar aggregate classification (germline): Uncertain significance (1 of 4 stars; one submission).

Conditions:
Wilson disease (WND). Also called: Wilson's disease. Identifiers: Orphanet 905, MedGen C0019202, MONDO:0010200, OMIM 277900. Disease mechanism: loss of function.

Allele frequency attached by ClinVar (database versions not stated): gnomAD 0.00001; 1000 Genomes Project 0.00020; gnomAD exomes 0.00001; TOPMed 0.00001; 1000 Genomes Project 30x 0.00016.
gnomAD v4.1: 11 of 1,614,044 alleles (0.00068%); highest among the groups gnomAD compares: South Asian, 0.0044%; no homozygotes.

Submission:

All of Us Research Program, National Institutes of Health
Classification: Uncertain significance for Wilson disease. Last evaluated: 2024-01-11. Review status: criteria provided, single submitter. Criteria: ACMG Guidelines, 2015. Collection method: clinical testing. Allele origin: germline. Inheritance: Autosomal recessive inheritance. Observed: 2 variant alleles, 2 heterozygotes.
Comment: This missense variant replaces arginine with tryptophan at codon 1411 of the ATP7B protein. Computational prediction suggests that this variant may not impact protein structure and function (internally defined REVEL score threshold <= 0.6, PMID: 27666373). To our knowledge, functional studies have not been reported for this variant. This variant has not been reported in individuals affected with ATP7B-related disorders in the literature. This variant has been identified in 4/248188 chromosomes in the general population by the Genome Aggregation Database (gnomAD). The available evidence is insufficient to determine the role of this variant in disease conclusively. Therefore, this variant is classified as a Variant of Uncertain Significance.

This study involves interpretation of variants in research participants for the purpose of population health screening. Participant phenotype was not available at the time of variant classification. Additional details can be found in publication PMID: 35346344, PMCID: PMC8962531

NM_000053.4(ATP7B):c.4231C>T (p.Arg1411Trp)

Gene: ATP7B (ATPase copper transporting beta; minus strand). Cytogenetic location: 13q14.3.
Variant type: single nucleotide variant.
Coding change: c.4231C>T on transcript NM_000053.4 (MANE Select); coding-DNA position 4231, C replaced by T.
Protein change: p.Arg1411Trp; replaces arginine 1411 with tryptophan.
Molecular consequence: missense variant.
Genome position (GRCh38, 1-based): chr13:51,934,923, G>A on the plus strand (C>T on the coding strand, the complement: ATP7B is on the minus strand). VCF-style: chr13-51934923-G-A. GRCh37 (hg19) VCF-style: chr13-52509059-G-A.
Other names: c.3610C>T, p.Arg1204Trp (NM_001005918.3); c.3898C>T, p.Arg1300Trp (NM_001243182.2); c.3997C>T, p.Arg1333Trp (NM_001330578.2, NM_001406527.1, NM_001406528.1); c.3979C>T, p.Arg1327Trp (NM_001330579.2, NM_001406531.1, NM_001406532.1); c.4231C>T, p.Arg1411Trp (NM_001406511.1, NM_001406512.1); c.4225C>T, p.Arg1409Trp (NM_001406513.1); c.4198C>T, p.Arg1400Trp (NM_001406514.1); c.4177C>T, p.Arg1393Trp (NM_001406515.1, NM_001406516.1); and 21 more; short protein forms R1130W, R1184W, R1195W, R1204W, R1217W, R1247W, R1249W, R1262W.
Identifiers: ClinVar variation 3074785 (VCV003074785.1), dbSNP rs559705781, ClinGen allele CA250071636.